The following is an entry in ClinVar:

NM_000553.6(WRN):c.554T>G (p.Leu185Ter)

Gene: WRN (WRN RecQ like helicase; plus strand). Cytogenetic location: 8p12.
Variant type: single nucleotide variant.
Coding change: c.554T>G on transcript NM_000553.6 (MANE Select); coding-DNA position 554, T replaced by G.
Protein change: p.Leu185Ter; replaces leucine 185 with a stop codon.
Molecular consequence: nonsense.
Genome position (GRCh38, 1-based): chr8:31,067,082, T>G. VCF-style: chr8-31067082-T-G. GRCh37 (hg19) VCF-style: chr8-30924598-T-G.
Other names: short protein forms L185*.
Identifiers: ClinVar variation 577438 (VCV000577438.4), dbSNP rs1563331288, ClinGen allele CA370916021.

ClinVar aggregate classification (germline): Pathogenic (1 of 4 stars; one submission).

Conditions:
Werner syndrome (WRN). Identifiers: Orphanet 902, MedGen C0043119, MONDO:0010196, OMIM 277700.

gnomAD v4.1: 1 of 1,613,958 alleles (0.000062%); highest among the groups gnomAD compares: Non-Finnish European, 0.000085%; no homozygotes.

Submission:

Labcorp Genetics (formerly Invitae), Labcorp
Classification: Pathogenic for Werner syndrome. Last evaluated: 2018-04-10. Review status: criteria provided, single submitter. Criteria: Invitae Variant Classification Sherloc (09022015). Collection method: clinical testing. Allele origin: germline.
Comment: For these reasons, this variant has been classified as Pathogenic. Loss-of-function variants in WRN are known to be pathogenic (PMID: 16673358). This variant has not been reported in the literature in individuals with WRN-related disease. This variant is not present in population databases (ExAC no frequency). This sequence change creates a premature translational stop signal (p.Leu185*) in the WRN gene. It is expected to result in an absent or disrupted protein product.

Literature cited by the submitters: PubMed 16673358.